The following is an entry in ClinVar:

NM_033305.3(VPS13A):c.6093C>A (p.Tyr2031Ter)

Gene: VPS13A (vacuolar protein sorting 13 homolog A; plus strand). Cytogenetic location: 9q21.2.
Variant type: single nucleotide variant.
Coding change: c.6093C>A on transcript NM_033305.3 (MANE Select); coding-DNA position 6093, C replaced by A.
Protein change: p.Tyr2031Ter; replaces tyrosine 2031 with a stop codon.
Molecular consequence: nonsense.
Genome position (GRCh38, 1-based): chr9:77,332,111, C>A. VCF-style: chr9-77332111-C-A. GRCh37 (hg19) VCF-style: chr9-79947027-C-A.
Other names: c.6093C>A, p.Tyr2031Ter (NM_001018038.3, NM_015186.4); c.5976C>A, p.Tyr1992Ter (NM_001018037.2); short protein forms Y1992*, Y2031*.
Identifiers: ClinVar variation 4849480 (VCV004849480.1).

ClinVar aggregate classification (germline): Likely pathogenic (1 of 4 stars; one submission).

Conditions:
VPS13A-related neurodegenerative disease. Also called: LEVINE-CRITCHLEY SYNDROME; Choreaacanthocytosis; ACANTHOCYTOSIS WITH NEUROLOGIC DISORDER; Choreoacanthocytosis; Chorea-acanthocytosis; VPS13A Disease. Identifiers: Orphanet 2388, MedGen C0393576, MONDO:0008695, OMIM 200150.

Submission:

First Genomix Gene Laboratory, Genetic Diagnostics Department
Classification: Likely pathogenic for VPS13A-related neurodegenerative disease. Last evaluated: 2025-05-26. Review status: criteria provided, single submitter. Criteria: ACMG Guidelines, 2015. Collection method: clinical testing. Allele origin: germline. Inheritance: Autosomal recessive inheritance. Affected: no. Observed: 1 variant allele.